The following is an entry in ClinVar:

ClinVar aggregate classification (germline): Uncertain significance (1 of 4 stars; one submission).

Conditions:
Danon disease. Also called: Glycogen Storage Disease Type IIb; ANTOPOL DISEASE; PSEUDOGLYCOGENOSIS II; GSD IIb; LYSOSOMAL GLYCOGEN STORAGE DISEASE WITHOUT ACID MALTASE DEFICIENCY. Identifiers: Orphanet 34587, MedGen C0878677, MONDO:0010281, OMIM 300257.

Submission:

Labcorp Genetics (formerly Invitae), Labcorp
Classification: Uncertain significance for Danon disease. Last evaluated: 2022-07-18. Review status: criteria provided, single submitter. Criteria: Invitae Variant Classification Sherloc (09022015). Collection method: clinical testing. Allele origin: germline.
Comment: This sequence change replaces threonine, which is neutral and polar, with proline, which is neutral and non-polar, at codon 278 of the LAMP2 protein (p.Thr278Pro). This variant is not present in population databases (gnomAD no frequency). In summary, the available evidence is currently insufficient to determine the role of this variant in disease. Therefore, it has been classified as a Variant of Uncertain Significance. Algorithms developed to predict the effect of missense changes on protein structure and function (SIFT, PolyPhen-2, Align-GVGD) all suggest that this variant is likely to be tolerated. ClinVar contains an entry for this variant (Variation ID: 1480646). This variant has not been reported in the literature in individuals affected with LAMP2-related conditions.

NM_002294.3(LAMP2):c.832A>C (p.Thr278Pro)

Gene: LAMP2 (lysosome associated membrane protein 2; minus strand). Cytogenetic location: Xq24.
Variant type: single nucleotide variant.
Coding change: c.832A>C on transcript NM_002294.3 (MANE Select); coding-DNA position 832, A replaced by C.
Protein change: p.Thr278Pro; replaces threonine 278 with proline.
Molecular consequence: missense variant.
Genome position (GRCh38, 1-based): chrX:120,446,337, T>G on the plus strand (A>C on the coding strand, the complement: LAMP2 is on the minus strand). VCF-style: chrX-120446337-T-G. GRCh37 (hg19) VCF-style: chrX-119580192-T-G.
Other names: c.832A>C, p.Thr278Pro (NM_001122606.1, NM_013995.2); short protein forms T278P.
Identifiers: ClinVar variation 1480646 (VCV001480646.6), dbSNP rs2147281387, ClinGen allele CA414400791.